The following is an entry in ClinVar:

NM_001031689.3(PLAA):c.957C>A (p.His319Gln)

Gene: PLAA (phospholipase A2 activating protein; minus strand). Cytogenetic location: 9p21.2.
Variant type: single nucleotide variant.
Coding change: c.957C>A on transcript NM_001031689.3 (MANE Select); coding-DNA position 957, C replaced by A.
Protein change: p.His319Gln; replaces histidine 319 with glutamine.
Molecular consequence: missense variant.
Genome position (GRCh38, 1-based): chr9:26,923,260, G>T on the plus strand (C>A on the coding strand, the complement: PLAA is on the minus strand). VCF-style: chr9-26923260-G-T. GRCh37 (hg19) VCF-style: chr9-26923258-G-T.
Other names: c.957C>A, p.His319Gln (NM_001321546.2); short protein forms H319Q.
Identifiers: ClinVar variation 1380583 (VCV001380583.6), dbSNP rs112768524, ClinGen allele CA373132906.

ClinVar aggregate classification (germline): Uncertain significance (1 of 4 stars; one submission).

Submission:

Labcorp Genetics (formerly Invitae), Labcorp
Classification: Uncertain significance. Last evaluated: 2022-08-31. Review status: criteria provided, single submitter. Criteria: Invitae Variant Classification Sherloc (09022015). Collection method: clinical testing. Allele origin: germline.
Comment: ClinVar contains an entry for this variant (Variation ID: 1380583). This sequence change replaces histidine, which is basic and polar, with glutamine, which is neutral and polar, at codon 319 of the PLAA protein (p.His319Gln). This variant is not present in population databases (gnomAD no frequency). This variant has not been reported in the literature in individuals affected with PLAA-related conditions. In summary, the available evidence is currently insufficient to determine the role of this variant in disease. Therefore, it has been classified as a Variant of Uncertain Significance. Algorithms developed to predict the effect of missense changes on protein structure and function output the following: SIFT: "Tolerated"; PolyPhen-2: "Benign"; Align-GVGD: "Class C0". The glutamine amino acid residue is found in multiple mammalian species, which suggests that this missense change does not adversely affect protein function.